The following is an entry in ClinVar:

ClinVar aggregate classification (germline): Pathogenic (1 of 4 stars; one submission).

Submission:

GeneDx
Classification: Pathogenic. Last evaluated: 2018-04-19. Review status: criteria provided, single submitter. Criteria: GeneDx Variant Classification (06012015). Collection method: clinical testing. Allele origin: germline. Affected: yes.
Comment: The R484X variant in the HNRNPU gene has not been reported previously as a pathogenic variant nor as a benign variant, to our knowledge. This variant is predicted to cause loss of normal protein function either through protein truncation or nonsense-mediated mRNA decay. The R484X variant is not observed in large population cohorts (Lek et al., 2016). We interpret R484X as a pathogenic variant.

NM_031844.3(HNRNPU):c.1450C>T (p.Arg484Ter)

Gene: HNRNPU (heterogeneous nuclear ribonucleoprotein U; minus strand). Cytogenetic location: 1q44.
Variant type: single nucleotide variant.
Coding change: c.1450C>T on transcript NM_031844.3 (MANE Select); coding-DNA position 1450, C replaced by T.
Protein change: p.Arg484Ter; replaces arginine 484 with a stop codon.
Molecular consequence: nonsense.
Genome position (GRCh38, 1-based): chr1:244,858,055, G>A on the plus strand (C>T on the coding strand, the complement: HNRNPU is on the minus strand). VCF-style: chr1-244858055-G-A. GRCh37 (hg19) VCF-style: chr1-245021357-G-A.
Other names: c.1393C>T, p.Arg465Ter (NM_004501.3); short protein forms R484*, R465*.
Identifiers: ClinVar variation 523871 (VCV000523871.2), dbSNP rs1553282635, ClinGen allele CA345491516.
Genomic context (GRCh38, chr1:244,858,055, plus strand): 5'-AAAAAAAATCCCTTACTTCACAATCTTTCTTCTCTTCAGGCCCCTTTGGTCCTCTAACTC[G>A]ATCCTCTAAGGGGACGTTCTGGATGAAAGTATACTCTTCAGGTATTGGAAAATATGGCTT-3'